The following is an entry in ClinVar:

NM_001135155.3(DPF1):c.681C>T (p.Asn227=)

Genes: DPF1 (double PHD fingers 1; minus strand), LOC126862901 (CDK7 strongly-dependent group 2 enhancer GRCh37_chr19:38707788-38708987; plus strand). Cytogenetic location: 19q13.2.
Variant type: single nucleotide variant.
Coding change: c.681C>T on transcript NM_001135155.3 (MANE Select); coding-DNA position 681, C replaced by T.
Protein change: p.Asn227=; no amino-acid change (asparagine 227 retained).
Molecular consequence: synonymous variant. On other transcripts: intron variant (1).
Genome position (GRCh38, 1-based): chr19:38,217,506, G>A on the plus strand (C>T on the coding strand, the complement: DPF1 is on the minus strand). VCF-style: chr19-38217506-G-A. GRCh37 (hg19) VCF-style: chr19-38708146-G-A.
Other names: c.516C>T, p.Asn172= (NM_001135156.3); c.681C>T, p.Asn227= (NM_001289978.2); c.684C>T, p.Asn228= (NM_001363579.1); c.595+292C>T (NM_004647.4).
Identifiers: ClinVar variation 2649785 (VCV002649785.24), dbSNP rs1471146482, ClinGen allele CA507230549.
Genomic context (GRCh38, chr19:38,217,506, plus strand): 5'-GCCTGCCAGCTCACGTTTATGGTTGTTTTTCCGGTGGAAGGGCAGGGCGTGGCGTTCGGC[G>A]TTCTCCTCCCCCTCCTCCTCGGCCAGGTGGGTGTGGGTGTAGTGGTAGCTGAGCCCCGGC-3'
Protein context (NP_001128627.2, residues 217-237): THLAEEEGEE[Asn227=]AERHALPFHR

ClinVar aggregate classification (germline): Likely benign (1 of 4 stars; one submission).

gnomAD v4.1: 6 of 1,551,300 alleles (0.00039%); highest among the groups gnomAD compares: Non-Finnish European, 0.00052%; no homozygotes.

Submission:

CeGaT Center for Human Genetics Tuebingen
Classification: Likely benign. Last evaluated: 2022-10-01. Review status: criteria provided, single submitter. Criteria: CeGaT Center For Human Genetics Tuebingen Variant Classification Criteria Version 2. Collection method: clinical testing. Allele origin: germline. Affected: yes. Observed: 1 variant allele.
Comment: DPF1: PM2:Supporting, BP4, BP7